The following is an entry in ClinVar:

NM_004082.5(DCTN1):c.1470C>T (p.Asp490=)

Gene: DCTN1 (dynactin subunit 1; minus strand). Cytogenetic location: 2p13.1.
Variant type: single nucleotide variant.
Coding change: c.1470C>T on transcript NM_004082.5 (MANE Select); coding-DNA position 1470, C replaced by T.
Protein change: p.Asp490=; no amino-acid change (aspartic acid 490 retained).
Molecular consequence: synonymous variant. On other transcripts: non-coding transcript variant (1).
Genome position (GRCh38, 1-based): chr2:74,369,414, G>A on the plus strand (C>T on the coding strand, the complement: DCTN1 is on the minus strand). VCF-style: chr2-74369414-G-A. GRCh37 (hg19) VCF-style: chr2-74596541-G-A.
Other names: c.1410C>T, p.Asp470= (NM_001135040.3); c.1068C>T, p.Asp356= (NM_001135041.3, NM_023019.4); c.1359C>T, p.Asp453= (NM_001190836.2); c.1449C>T, p.Asp483= (NM_001190837.2); c.1419C>T, p.Asp473= (NM_001378991.1); c.1401C>T, p.Asp467= (NM_001378992.1).
Identifiers: ClinVar variation 703876 (VCV000703876.28), dbSNP rs199751168, ClinGen allele CA1722141.

ClinVar aggregate classification (germline): Conflicting classifications of pathogenicity. Review status: criteria provided, conflicting classifications (1 of 4 stars). 4 submissions from 4 submitters: Uncertain significance (1); Likely benign (2). 1 of the submissions does not count toward it. Last evaluated 2025-08-24.

Conditions:
DCTN1-related disorder. Also called: DCTN1-related condition.
Amyotrophic lateral sclerosis type 1 (ALS1). Also called: AMYOTROPHIC LATERAL SCLEROSIS 1, FAMILIAL. Identifiers: Orphanet 803, MedGen C1862939, MONDO:0007103, OMIM 105400.
Perry syndrome. Also called: PARKINSONISM WITH ALVEOLAR HYPOVENTILATION AND MENTAL DEPRESSION. Identifiers: Orphanet 178509, MedGen C1868594, MONDO:0008201, OMIM 168605.
Neuronopathy, distal hereditary motor, type 7B. Also called: NEURONOPATHY, DISTAL HEREDITARY MOTOR, AUTOSOMAL DOMINANT 14; NEURONOPATHY, DISTAL HEREDITARY MOTOR, HARDING TYPE VIIB; NEUROPATHY, DISTAL HEREDITARY MOTOR, HARDING TYPE VIIB; NEUROPATHY, DISTAL HEREDITARY MOTOR, WITH VOCAL CORD PARALYSIS, HARDING TYPE VIIB; Distal Hereditary Motor Neuronopathy Type 7B (dHMN7B); HMN VIIB. Identifiers: Orphanet 139589, MedGen C1843315, MONDO:0011879, OMIM 607641.

Allele frequency attached by ClinVar (database versions not stated): ExAC 0.00003; gnomAD exomes 0.00005 and 0.00007; gnomAD 0.00006 and 0.00007; TOPMed 0.00007; ESP Exome Variant Server 0.00008; 1000 Genomes Project 30x 0.00016; 1000 Genomes Project 0.00020.
gnomAD v4.1: 111 of 1,614,186 alleles (0.0069%); highest among the groups gnomAD compares: Non-Finnish European, 0.0087%; no homozygotes.

Submissions (4):

Labcorp Genetics (formerly Invitae), Labcorp
Classification: Likely benign for Amyotrophic lateral sclerosis type 1; Neuronopathy, distal hereditary motor, type 7B; Perry syndrome. Last evaluated: 2025-08-24. Review status: criteria provided, single submitter. Criteria: Invitae Variant Classification Sherloc (09022015). Collection method: clinical testing. Allele origin: germline.

CeGaT Center for Human Genetics Tuebingen
Classification: Uncertain significance. Last evaluated: 2024-09-01. Review status: criteria provided, single submitter. Criteria: CeGaT Center For Human Genetics Tuebingen Variant Classification Criteria Version 2. Collection method: clinical testing. Allele origin: germline. Affected: yes. Observed: 1 variant allele.
Comment: DCTN1: PM2, BP4

Fulgent Genetics
Classification: Likely benign for Amyotrophic lateral sclerosis type 1; Perry syndrome; Neuronopathy, distal hereditary motor, type 7B. Last evaluated: 2021-10-15. Review status: criteria provided, single submitter. Criteria: ACMG Guidelines, 2015. Collection method: clinical testing. Allele origin: unknown.

PreventionGenetics, part of Exact Sciences
Classification: Likely benign for DCTN1-related condition. Last evaluated: 2023-06-24. Review status: no assertion criteria provided. Collection method: clinical testing. Allele origin: germline. Not counted in ClinVar's aggregate classification.
Comment: This variant is classified as likely benign based on ACMG/AMP sequence variant interpretation guidelines (Richards et al. 2015 PMID: 25741868, with internal and published modifications).